The following is an entry in ClinVar:

NM_031935.3(HMCN1):c.13661G>A (p.Arg4554His)

Gene: HMCN1 (hemicentin 1; plus strand). Cytogenetic location: 1q31.1.
Variant type: single nucleotide variant.
Coding change: c.13661G>A on transcript NM_031935.3 (MANE Select); coding-DNA position 13661, G replaced by A.
Protein change: p.Arg4554His; replaces arginine 4554 with histidine.
Molecular consequence: missense variant.
Genome position (GRCh38, 1-based): chr1:186,137,576, G>A. VCF-style: chr1-186137576-G-A. GRCh37 (hg19) VCF-style: chr1-186106708-G-A.
Other names: c.13661G>A (NM_031935.2); short protein forms R4554H.
Identifiers: ClinVar variation 2145352 (VCV002145352.5), dbSNP rs755169660, ClinGen allele CA1294708.

ClinVar aggregate classification (germline): Uncertain significance. Review status: criteria provided, multiple submitters, no conflicts (2 of 4 stars). 2 submissions from 2 submitters: Uncertain significance (2). Last evaluated 2025-02-10.

Allele frequency attached by ClinVar (database versions not stated): ExAC 0.00001; gnomAD 0.00001; TOPMed 0.00001.
gnomAD v4.1: 17 of 1,613,786 alleles (0.0011%); highest among the groups gnomAD compares: Admixed American, 0.0033%; no homozygotes.

Submissions (2):

Labcorp Genetics (formerly Invitae), Labcorp
Classification: Uncertain significance. Last evaluated: 2025-02-10. Review status: criteria provided, single submitter. Criteria: Invitae Variant Classification Sherloc (09022015). Collection method: clinical testing. Allele origin: germline.
Comment: This sequence change replaces arginine, which is basic and polar, with histidine, which is basic and polar, at codon 4554 of the HMCN1 protein (p.Arg4554His). This variant is present in population databases (rs755169660, gnomAD 0.003%). This variant has not been reported in the literature in individuals affected with HMCN1-related conditions. ClinVar contains an entry for this variant (Variation ID: 2145352). An algorithm developed to predict the effect of missense changes on protein structure and function (PolyPhen-2) suggests that this variant is likely to be disruptive. In summary, the available evidence is currently insufficient to determine the role of this variant in disease. Therefore, it has been classified as a Variant of Uncertain Significance.

Ambry Genetics
Classification: Uncertain significance. Last evaluated: 2023-12-19. Review status: criteria provided, single submitter. Criteria: Ambry Variant Classification Scheme 2023. Collection method: clinical testing. Allele origin: germline.